The following is an entry in ClinVar:

ClinVar aggregate classification (germline): Uncertain significance. Review status: criteria provided, multiple submitters, no conflicts (2 of 4 stars). 2 submissions from 2 submitters: Uncertain significance (2). Last evaluated 2023-02-12.

Conditions:
Autosomal dominant hypocalcemia 1 (HYPOC1). Also called: HYPOCALCEMIA, FAMILIAL. Identifiers: MedGen C3715128, MONDO:0011013, OMIM 601198.
Familial hypocalciuric hypercalcemia (FHH). Also called: Familial benign hypercalcemia. Identifiers: Orphanet 405, MedGen C1809471, MONDO:0018458.
Nephrolithiasis/nephrocalcinosis. Identifiers: MedGen CN580796.

Allele frequency attached by ClinVar (database versions not stated): gnomAD exomes 0.00001; ExAC 0.00002; 1000 Genomes Project 30x 0.00016; 1000 Genomes Project 0.00020.
gnomAD v4.1: 7 of 1,614,020 alleles (0.00043%); highest among the groups gnomAD compares: South Asian, 0.0066%; no homozygotes.

Submissions (2):

Ambry Genetics
Classification: Uncertain significance for Nephrolithiasis/nephrocalcinosis. Last evaluated: 2023-02-12. Review status: criteria provided, single submitter. Criteria: Ambry Variant Classification Scheme 2023. Collection method: clinical testing. Allele origin: germline.
Comment: The p.V894F variant (also known as c.2680G>T), located in coding exon 6 of the CASR gene, results from a G to T substitution at nucleotide position 2680. The valine at codon 894 is replaced by phenylalanine, an amino acid with highly similar properties. This amino acid position is conserved. In addition, the in silico prediction for this alteration is inconclusive. Since supporting evidence is limited at this time, the clinical significance of this alteration remains unclear.

Labcorp Genetics (formerly Invitae), Labcorp
Classification: Uncertain significance for Familial hypocalciuric hypercalcemia; Autosomal dominant hypocalcemia 1. Last evaluated: 2021-06-14. Review status: criteria provided, single submitter. Criteria: Invitae Variant Classification Sherloc (09022015). Collection method: clinical testing. Allele origin: germline.
Comment: This sequence change replaces valine with phenylalanine at codon 894 of the CASR protein (p.Val894Phe). The valine residue is moderately conserved and there is a small physicochemical difference between valine and phenylalanine. This variant has not been reported in the literature in individuals with CASR-related conditions. This variant is present in population databases (rs200883282, ExAC 0.02%). In summary, the available evidence is currently insufficient to determine the role of this variant in disease. Therefore, it has been classified as a Variant of Uncertain Significance. Algorithms developed to predict the effect of missense changes on protein structure and function are either unavailable or do not agree on the potential impact of this missense change (SIFT: "Deleterious"; PolyPhen-2: "Benign"; Align-GVGD: "Class C0").

NM_000388.4(CASR):c.2680G>T (p.Val894Phe)

Gene: CASR (calcium sensing receptor; plus strand). Cytogenetic location: 3q21.1.
Variant type: single nucleotide variant.
Coding change: c.2680G>T on transcript NM_000388.4 (MANE Select); coding-DNA position 2680, G replaced by T.
Protein change: p.Val894Phe; replaces valine 894 with phenylalanine.
Molecular consequence: missense variant.
Genome position (GRCh38, 1-based): chr3:122,284,634, G>T. VCF-style: chr3-122284634-G-T. GRCh37 (hg19) VCF-style: chr3-122003481-G-T.
Other names: c.2710G>T, p.Val904Phe (NM_001178065.2); c.2680G>T (NM_000388.3); short protein forms V894F, V904F.
Identifiers: ClinVar variation 1496241 (VCV001496241.9), dbSNP rs200883282, ClinGen allele CA2569845.
Genomic context (GRCh38, chr3:122,284,634, plus strand): 5'-TGCAGCACCGCAGCTCACGCTTTCAAGGTGGCTGCCCGGGCCACGCTGCGCCGCAGCAAC[G>T]TCTCCCGCAAGCGGTCCAGCAGCCTTGGAGGCTCCACGGGATCCACCCCCTCCTCCTCCA-3'
Protein context (NP_000379.3, residues 884-904): AARATLRRSN[Val894Phe]SRKRSSSLGG